The following is an entry in ClinVar:

ClinVar aggregate classification (germline): Uncertain significance (1 of 4 stars; one submission).

Conditions:
Galloway-Mowat syndrome. Also called: GALLOWAY SYNDROME. Identifiers: Orphanet 2065, MedGen C0795949, MONDO:0009627.

Submission:

Broad Center for Mendelian Genomics, Broad Institute of MIT and Harvard
Classification: Uncertain significance for Galloway-Mowat syndrome. Last evaluated: 2024-05-17. Review status: criteria provided, single submitter. Criteria: ACMG Guidelines, 2015. Collection method: curation. Allele origin: germline. Inheritance: Autosomal recessive inheritance.
Comment: The variant is absent from large population studies. Computational prediction tools and conservation analyses suggest that this variant may impact the protein, though this information is not predictive enough to determine pathogenicity. This variant is a deletion of 39 bases at amino acid position 98 and is not predicted to alter the protein reading-frame. It is unclear if this deletion will impact the protein. In summary, the clinical significance of the p.Leu98_Trp111del variant is uncertain. ACMG/AMP Criteria applied: PM3_Supporting, PM2_Supporting, PP3, PM4 (Richards 2015).

NM_032856.5(WDR73):c.293_334del (p.Leu98_Trp111del)

Gene: WDR73 (WD repeat domain 73; minus strand). Cytogenetic location: 15q25.2.
Variant type: Deletion.
Coding change: c.293_334del on transcript NM_032856.5 (MANE Select); coding-DNA positions 293 to 334, 42 bases deleted.
Protein change: p.Leu98_Trp111del.
Molecular consequence: non-coding transcript variant (on NR_130944.2).
Genome position (GRCh38, 1-based): chr15:84,647,908-84,647,949, 42 bases deleted; deleting any 42 consecutive bases within chr15:84,647,908-84,647,951 gives the same sequence; the c. name uses the placement nearest the transcript's 3' end. GRCh37 (hg19): chr15:85,191,141-85,191,182.
Other names: NR_130947.2:n.213_254del.
Identifiers: ClinVar variation 3236662 (VCV003236662.1), dbSNP rs2505381086, ClinGen allele CA491827673.